The following is an entry in ClinVar:

ClinVar aggregate classification (germline): Uncertain significance. Review status: criteria provided, multiple submitters, no conflicts (2 of 4 stars). 2 submissions from 2 submitters: Uncertain significance (2). Last evaluated 2022-05-27.

Allele frequency attached by ClinVar (database versions not stated): gnomAD exomes 0.00001; ExAC 0.00002; gnomAD 0.00003; TOPMed 0.00003; ESP Exome Variant Server 0.00008.
gnomAD v4.1: 17 of 1,613,800 alleles (0.0011%); highest among the groups gnomAD compares: Middle Eastern, 0.016%; no homozygotes.

Submissions (2):

Clinical Genetics Laboratory, Skane University Hospital Lund
Classification: Uncertain significance. Last evaluated: 2022-05-27. Review status: criteria provided, single submitter. Criteria: ACMG Guidelines, 2015. Collection method: clinical testing. Allele origin: germline. Affected: yes.

Labcorp Genetics (formerly Invitae), Labcorp
Classification: Uncertain significance. Last evaluated: 2022-02-24. Review status: criteria provided, single submitter. Criteria: Invitae Variant Classification Sherloc (09022015). Collection method: clinical testing. Allele origin: germline.
Comment: In summary, the available evidence is currently insufficient to determine the role of this variant in disease. Therefore, it has been classified as a Variant of Uncertain Significance. Algorithms developed to predict the effect of missense changes on protein structure and function (SIFT, PolyPhen-2, Align-GVGD) all suggest that this variant is likely to be tolerated. ClinVar contains an entry for this variant (Variation ID: 1026224). This variant has not been reported in the literature in individuals affected with RTN4IP1-related conditions. This variant is present in population databases (rs370294736, gnomAD 0.002%). This sequence change replaces alanine, which is neutral and non-polar, with valine, which is neutral and non-polar, at codon 234 of the RTN4IP1 protein (p.Ala234Val).

NM_032730.5(RTN4IP1):c.701C>T (p.Ala234Val)

Gene: RTN4IP1 (reticulon 4 interacting protein 1; minus strand). Cytogenetic location: 6q21.
Variant type: single nucleotide variant.
Coding change: c.701C>T on transcript NM_032730.5 (MANE Select); coding-DNA position 701, C replaced by T.
Protein change: p.Ala234Val; replaces alanine 234 with valine.
Molecular consequence: missense variant.
Genome position (GRCh38, 1-based): chr6:106,592,269, G>A on the plus strand (C>T on the coding strand, the complement: RTN4IP1 is on the minus strand). VCF-style: chr6-106592269-G-A. GRCh37 (hg19) VCF-style: chr6-107040144-G-A.
Other names: c.401C>T, p.Ala134Val (NM_001318746.1); short protein forms A134V, A234V.
Identifiers: ClinVar variation 1026224 (VCV001026224.7), dbSNP rs370294736, ClinGen allele CA3944388.